The following is an entry in ClinVar:

NM_001267550.2(TTN):c.69716-1G>A

Genes: TTN (titin; minus strand), TTN-AS1 (TTN antisense RNA 1; plus strand), LOC126806422 (BRD4-independent group 4 enhancer GRCh37_chr2:179440205-179441404; plus strand). Cytogenetic location: 2q31.2.
Variant type: single nucleotide variant.
Coding change: c.69716-1G>A on transcript NM_001267550.2 (MANE Select); the canonical splice acceptor site of the intron before coding-DNA position 69716, G replaced by A.
Molecular consequence: splice acceptor variant.
Genome position (GRCh38, 1-based): chr2:178,576,417, C>T on the plus strand (G>A on the coding strand, the complement: TTN is on the minus strand). VCF-style: chr2-178576417-C-T. GRCh37 (hg19) VCF-style: chr2-179441144-C-T.
Other names: c.42521-1G>A (NM_003319.4); c.43097-1G>A (NM_133437.4); c.42896-1G>A (NM_133432.3); c.62012-1G>A (NM_133378.4); c.64793-1G>A (NM_001256850.1).
Identifiers: ClinVar variation 4824732 (VCV004824732.1).

ClinVar aggregate classification (germline): Likely pathogenic (1 of 4 stars; one submission).

Conditions:
Cardiovascular phenotype. Identifiers: MedGen CN230736.

Submission:

Ambry Genetics
Classification: Likely pathogenic for Cardiovascular phenotype. Last evaluated: 2026-01-30. Review status: criteria provided, single submitter. Criteria: Ambry Variant Classification Scheme 2023. Collection method: clinical testing. Allele origin: germline.
Comment: The c.42521-1G>A intronic variant results from a G to A substitution one nucleotide upstream from coding exon 153 of the TTN gene. This exon is located in the A-band region of the N2-B isoform of the titin protein and is constitutively expressed in TTN transcripts (percent spliced in or PSI 100%). This variant is considered to be rare based on population cohorts in the Genome Aggregation Database (gnomAD). This variant disrupts the canonical splice site and is expected to cause aberrant splicing, resulting in an abnormal protein or a transcript that is subject to nonsense-mediated mRNA decay. While loss of function variants in TTN are present in 1-3% of the general population, truncating variants (a category that includes canonical splice site variants) in the A-band are the most common cause of dilated cardiomyopathy (DCM) (Herman DS et al. N. Engl. J. Med., 2012 Feb;366:619-28; Roberts AM et al. Sci Transl Med, 2015 Jan;7:270ra6). TTN truncating variants encoded in constitutive exons (PSI >90%) have been found to be significantly associated with DCM regardless of their position in titin (Schafer S et al. Nat. Genet., 2017 01;49:46-53; Akhtar MM et al. Circ Heart Fail, 2020 Oct;13:e006832; Massier M et al. Clin Genet, 2025 Jan). Based on the majority of available evidence to date, this variant is likely to be pathogenic.